The following is an entry in ClinVar:

NM_004974.4(KCNA2):c.764T>G (p.Met255Arg)

Gene: KCNA2 (potassium voltage-gated channel subfamily A member 2; minus strand). Cytogenetic location: 1p13.3.
Variant type: single nucleotide variant.
Coding change: c.764T>G on transcript NM_004974.4 (MANE Select); coding-DNA position 764, T replaced by G.
Protein change: p.Met255Arg; replaces methionine 255 with arginine.
Molecular consequence: missense variant.
Genome position (GRCh38, 1-based): chr1:110,604,019, A>C on the plus strand (T>G on the coding strand, the complement: KCNA2 is on the minus strand). VCF-style: chr1-110604019-A-C. GRCh37 (hg19) VCF-style: chr1-111146641-A-C.
Other names: c.764T>G, p.Met255Arg (NM_001204269.2); short protein forms M255R.
Identifiers: ClinVar variation 2632994 (VCV002632994.1), dbSNP rs2524618978, ClinGen allele CA341603250.
Genomic context (GRCh38, chr1:110,604,019, plus strand): 5'-GCCAACTCTGTCCCCAGGGTGATGAAGTAGGGGATGATGGCCACAATGTCAATGATGTTC[A>C]TGATGTTGGTGAAGAAGCCGGCTTTGCTGGGACAGGCAAAGAACCTCACCAAGAATTCAA-3'
Protein context (NP_004965.1, residues 245-265): PSKAGFFTNI[Met255Arg]NIIDIVAIIP

ClinVar aggregate classification (germline): Uncertain significance (1 of 4 stars; one submission).

Conditions:
KCNA2-related disorder. Also called: KCNA2-related condition.

Submission:

PreventionGenetics, part of Exact Sciences
Classification: Uncertain significance for KCNA2-related condition. Last evaluated: 2023-04-27. Review status: criteria provided, single submitter. Criteria: ACMG Guidelines, 2015. Collection method: clinical testing. Allele origin: germline.
Comment: The KCNA2 c.764T>G variant is predicted to result in the amino acid substitution p.Met255Arg. To our knowledge, this variant has not been reported in the literature or in a large population database, indicating this variant is rare. At this time, the clinical significance of this variant is uncertain due to the absence of conclusive functional and genetic evidence.